The following is an entry in ClinVar:

NM_001080477.4(TENM3):c.1639+92G>A

Gene: TENM3 (teneurin transmembrane protein 3; plus strand). Cytogenetic location: 4q35.1.
Variant type: single nucleotide variant.
Coding change: c.1639+92G>A on transcript NM_001080477.4 (MANE Select); 92 bases into the intron after coding-DNA position 1639, G replaced by A.
Molecular consequence: intron variant.
Genome position (GRCh38, 1-based): chr4:182,680,441, G>A. VCF-style: chr4-182680441-G-A. GRCh37 (hg19) VCF-style: chr4-183601594-G-A.
Identifiers: ClinVar variation 677187 (VCV000677187.2), dbSNP rs11934254, ClinGen allele CA11741165.

ClinVar aggregate classification (germline): Benign. Review status: criteria provided, multiple submitters, no conflicts (2 of 4 stars). 2 submissions from 2 submitters: Benign (2). Last evaluated 2018-06-19.

Allele frequency attached by ClinVar (database versions not stated): TOPMed 0.29985; 1000 Genomes Project 0.38259.
gnomAD v4.1: 387,771 of 1,400,740 alleles (28%); highest among the groups gnomAD compares: East Asian, 64%; 61,556 homozygotes.

Submissions (2):

GeneDx
Classification: Benign. Last evaluated: 2018-06-19. Review status: criteria provided, single submitter. Criteria: GeneDx Variant Classification (06012015). Collection method: clinical testing. Allele origin: germline. Affected: yes.
Comment: This variant is considered likely benign or benign based on one or more of the following criteria: it is a conservative change, it occurs at a poorly conserved position in the protein, it is predicted to be benign by multiple in silico algorithms, and/or has population frequency not consistent with disease.

Breakthrough Genomics
Classification: Benign. Review status: criteria provided, single submitter. Criteria: ACMG Guidelines, 2015. Collection method: not provided. Allele origin: germline. Inheritance: Autosomal recessive inheritance. Affected: yes.